The following is an entry in ClinVar:

NM_024306.5(FA2H):c.879C>T (p.Pro293=)

Gene: FA2H (fatty acid 2-hydroxylase; minus strand). Cytogenetic location: 16q23.1.
Variant type: single nucleotide variant.
Coding change: c.879C>T on transcript NM_024306.5 (MANE Select); coding-DNA position 879, C replaced by T.
Protein change: p.Pro293=; no amino-acid change (proline 293 retained).
Molecular consequence: synonymous variant.
Genome position (GRCh38, 1-based): chr16:74,716,507, G>A on the plus strand (C>T on the coding strand, the complement: FA2H is on the minus strand). VCF-style: chr16-74716507-G-A. GRCh37 (hg19) VCF-style: chr16-74750405-G-A.
Other names: p.Pro293=.
Identifiers: ClinVar variation 129031 (VCV000129031.31), dbSNP rs2301865, ClinGen allele CA152813.
Genomic context (GRCh38, chr16:74,716,507, plus strand): 5'-CATGTCATAGAGGACGTAGCCCAGGAGGCCCCCCGCAAACACAGTGCCCCCTACTGCCTC[G>A]GGCAGGATGAGCTGCATGCACAAGTAGAAGACGCCGATCACCAGGGAGGCTGGCACAGGG-3'
Protein context (NP_077282.3, residues 283-303): VFYLCMQLIL[Pro293=]EAVGGTVFAG

ClinVar aggregate classification (germline): Benign/Likely benign. Review status: criteria provided, multiple submitters, no conflicts (2 of 4 stars). 14 submissions from 14 submitters: Benign (10); Likely benign (1). 3 of the submissions do not count toward it. Last evaluated 2026-02-04.

Conditions:
Hereditary spastic paraplegia 35. Also called: SPASTIC PARAPLEGIA 35, AUTOSOMAL RECESSIVE, WITH OR WITHOUT NEURODEGENERATION; LEUKODYSTROPHY, DYSMYELINATING, AND SPASTIC PARAPARESIS WITH OR WITHOUT DYSTONIA; Spastic paraplegia 35, autosomal recessive; Spastic paraplegia 35. Identifiers: Orphanet 171629, MedGen C3496228, MONDO:0012866, OMIM 612319.
Hereditary spastic paraplegia. Also called: Familial spastic paraparesis. Identifiers: Orphanet 685, MedGen C0037773, MONDO:0019064. Disease mechanism: loss of function.
Spastic paraplegia. Identifiers: MedGen C0037772, HP:0001258.

Allele frequency attached by ClinVar (database versions not stated): 1000 Genomes Project 0.72524; 1000 Genomes Project 30x 0.73111; TOPMed 0.76797; gnomAD exomes 0.77192 and 0.79963; ExAC 0.77320; gnomAD 0.77852; ESP Exome Variant Server 0.78116.
gnomAD v4.1: 1,285,307 of 1,612,910 alleles (80%); highest among the groups gnomAD compares: Middle Eastern, 83%; 514,126 homozygotes.

Submissions (14):

Labcorp Genetics (formerly Invitae), Labcorp
Classification: Benign for Spastic paraplegia. Last evaluated: 2026-02-04. Review status: criteria provided, single submitter. Criteria: Invitae Variant Classification Sherloc (09022015). Collection method: clinical testing. Allele origin: germline.

Blueprint Genetics
Classification: Likely benign. Last evaluated: 2024-11-27. Review status: criteria provided, single submitter. Criteria: ACMG Guidelines, 2015. Collection method: clinical testing. Allele origin: germline.

Unidad de Genómica Garrahan, Hospital de Pediatría Garrahan
Classification: Benign. Last evaluated: 2024-07-31. Review status: criteria provided, single submitter. Criteria: ACMG Guidelines, 2015. Collection method: clinical testing. Allele origin: germline. Affected: no. Observed: 88 variant alleles.
Comment: This variant is classified as Benign based on local population frequency. This variant was detected in 95% of patients studied in a panel designed for Epileptic and Developmental Encephalopathy, Progressive Myoclonus Epilepsy and Abnormal Movements and Neurodegeneration with brain iron accumulation. Number of patients: 88. Only high quality variants are reported.

Genome-Nilou Lab
Classification: Benign for Hereditary spastic paraplegia 35. Last evaluated: 2021-08-10. Review status: criteria provided, single submitter. Criteria: ACMG Guidelines, 2015. Collection method: clinical testing. Allele origin: germline. Affected: no.

Illumina Laboratory Services, Illumina
Classification: Benign for Hereditary spastic paraplegia 35. Last evaluated: 2018-01-13. Review status: criteria provided, single submitter. Criteria: ICSL Variant Classification Criteria 13 December 2019. Collection method: clinical testing. Allele origin: germline.
Comment: This variant was observed in the ICSL laboratory as part of a predisposition screen in an ostensibly healthy population. It had not been previously curated by ICSL or reported in the Human Gene Mutation Database (HGMD: prior to June 1st, 2018), and was therefore a candidate for classification through an automated scoring system. Utilizing variant allele frequency, disease prevalence and penetrance estimates, and inheritance mode, an automated score was calculated to assess if this variant is too frequent to cause the disease. Based on the score and internal cut-off values, a variant classified as benign is not then subjected to further curation. The score for this variant resulted in a classification of benign for this disease.

Mayo Clinic Laboratories, Mayo Clinic
Classification: Benign. Last evaluated: 2017-07-19. Review status: criteria provided, single submitter. Criteria: ACMG Guidelines, 2015. Collection method: clinical testing. Allele origin: germline. Observed: 1,989 variant alleles.

Genome Diagnostics Laboratory, The Hospital for Sick Children
Classification: Benign for Hereditary spastic paraplegia. Last evaluated: 2016-12-12. Review status: criteria provided, single submitter. Criteria: ACMG Guidelines, 2015. Collection method: clinical testing. Allele origin: germline. Affected: yes.

GeneDx
Classification: Benign. Last evaluated: 2016-01-22. Review status: criteria provided, single submitter. Criteria: GeneDx Variant Classification (06012015). Collection method: clinical testing. Allele origin: germline. Affected: yes.
Comment: This variant is considered likely benign or benign based on one or more of the following criteria: it is a conservative change, it occurs at a poorly conserved position in the protein, it is predicted to be benign by multiple in silico algorithms, and/or has population frequency not consistent with disease.

Clinical Genetics DNA and cytogenetics Diagnostics Lab, Erasmus MC, Erasmus Medical Center
Classification: Benign for Hereditary spastic paraplegia 35. Last evaluated: 2015-09-21. Review status: criteria provided, single submitter. Criteria: ACGS Guidelines, 2013. Collection method: clinical testing. Allele origin: germline. Affected: yes. Study: VKGL Data-share Consensus.

Genetic Services Laboratory, University of Chicago
Classification: Benign for AllHighlyPenetrant. Last evaluated: 2013-08-15. Review status: criteria provided, single submitter. Criteria: ACMG Guidelines, 2007. Collection method: clinical testing. Allele origin: germline. Inheritance: Autosomal recessive inheritance.

Breakthrough Genomics
Classification: Benign. Review status: criteria provided, single submitter. Criteria: ACMG Guidelines, 2015. Collection method: not provided. Allele origin: germline. Inheritance: Autosomal recessive inheritance. Affected: yes.

Genome Diagnostics Laboratory, Amsterdam University Medical Center
Classification: Benign for Hereditary spastic paraplegia 35. Last evaluated: 2015-07-24. Review status: no assertion criteria provided. Criteria: ACGS Guidelines, 2013. Collection method: clinical testing. Allele origin: germline. Affected: yes. Study: VKGL Data-share Consensus. Not counted in ClinVar's aggregate classification.

Diagnostic Laboratory, Department of Genetics, University Medical Center Groningen
Classification: Benign for Hereditary spastic paraplegia 35. Review status: no assertion criteria provided. Collection method: clinical testing. Allele origin: germline. Affected: yes. Study: VKGL Data-share Consensus. Not counted in ClinVar's aggregate classification.

Joint Genome Diagnostic Labs from Nijmegen and Maastricht, Radboudumc and MUMC+
Classification: Benign. Review status: no assertion criteria provided. Collection method: clinical testing. Allele origin: germline. Affected: yes. Study: VKGL Data-share Consensus. Not counted in ClinVar's aggregate classification.